The following is an entry in ClinVar:

ClinVar aggregate classification (germline): Pathogenic/Likely pathogenic. Review status: criteria provided, multiple submitters, no conflicts (2 of 4 stars). 2 submissions from 2 submitters: Pathogenic (1); Likely pathogenic (1). Last evaluated 2025-07-16.

Conditions:
Osteogenesis imperfecta (OI). Identifiers: Orphanet 666, MedGen C0029434, MeSH D010013, MONDO:0019019.
Osteogenesis imperfecta type III (OI3). Also called: Osteogenesis imperfecta type 3; OI type 3; Osteogenesis imperfecta, progressively deforming with normal sclerae; OI type III; Progressively Deforming Osteogenesis Imperfecta. Identifiers: Orphanet 216812, Orphanet 666, MedGen C0268362, MONDO:0009804, OMIM 259420.

Submissions (2):

Clinical Biomedical Laboratory, Shriners Hospital For Children - Canada
Classification: Pathogenic for Osteogenesis imperfecta type III. Last evaluated: 2025-07-16. Review status: criteria provided, single submitter. Criteria: ACMG Guidelines, 2015. Collection method: clinical testing. Allele origin: germline. Affected: yes.
Comment: This variant is predicted to substitute a glycine residue by an aspartic acid residue in the triple helical domain of collagen type I alpha 2 chain. Glycine substitutions in the triple helical domain of collagen type I cause disruption in the formation of the triple helix in the collagen molecule and are a typical cause of osteogenesis imperfecta. In the Genome Aggregation Database v2.1.1 this variant is not present, indicating it is very rare. Prediction tools (REVEL: 0.96) suggest that the variant is deleterious to protein function. We have observed this variant in two unrelated individuals with a clinical diagnosis of osteogenesis imperfecta.

Division of Human Genetics, National Health Laboratory Service/University of the Witwatersrand
Classification: Likely pathogenic for Osteogenesis imperfecta. Last evaluated: 2023-07-01. Review status: criteria provided, single submitter. Criteria: ACMG Guidelines, 2015. Collection method: research. Allele origin: germline. Affected: yes.

NM_000089.4(COL1A2):c.2297G>A (p.Gly766Asp)

Gene: COL1A2 (collagen type I alpha 2 chain; plus strand). Cytogenetic location: 7q21.3.
Variant type: single nucleotide variant.
Coding change: c.2297G>A on transcript NM_000089.4 (MANE Select); coding-DNA position 2297, G replaced by A.
Protein change: p.Gly766Asp; replaces glycine 766 with aspartic acid.
Molecular consequence: missense variant.
Genome position (GRCh38, 1-based): chr7:94,421,010, G>A. VCF-style: chr7-94421010-G-A. GRCh37 (hg19) VCF-style: chr7-94050322-G-A.
Other names: short protein forms G766D.
Identifiers: ClinVar variation 2579136 (VCV002579136.2), dbSNP rs72658183, ClinGen allele CA368223655.
Genomic context (GRCh38, chr7:94,421,010, plus strand): 5'-AGAGTAGCATTTACAAGGGTTTGTTTGTGATTTGACTCCATCTTTTTGTTTGCATTTAGG[G>A]TCCAAATGGTCCCCCCGGTCCTGCTGGAAGTCGTGGTGATGGAGGCCCCCCTGTGAGTAT-3'
Protein context (NP_000080.2, residues 756-776): TGPVGAAGPA[Gly766Asp]PNGPPGPAGS